The following is an entry in ClinVar:

NM_001754.5(RUNX1):c.1184_1233del (p.Pro395fs)

Gene: RUNX1 (RUNX family transcription factor 1; minus strand). Cytogenetic location: 21q22.12.
Variant type: Deletion.
Coding change: c.1184_1233del on transcript NM_001754.5 (MANE Select); coding-DNA positions 1184 to 1233, 50 bases deleted.
Protein change: p.Pro395fs; shifts the reading frame from proline 395.
Molecular consequence: frameshift variant.
Genome position (GRCh38, 1-based): chr21:34,792,345-34,792,394, 50 bases deleted; deleting any 50 consecutive bases within chr21:34,792,345-34,792,398 gives the same sequence; the c. name uses the placement nearest the transcript's 3' end. GRCh37 (hg19): chr21:36,164,646-36,164,695.
Other names: c.1103_1152del, p.Pro368fs (NM_001001890.3); short protein forms P395fs, P368fs.
Identifiers: ClinVar variation 3644010 (VCV003644010.2).

ClinVar aggregate classification (germline): Pathogenic (1 of 4 stars; one submission).

Conditions:
Hereditary thrombocytopenia and hematological cancer predisposition syndrome associated with RUNX1. Also called: Familial Platelet Disorder with Propensity to Acute Myelogenous Leukemia; Familial thrombocytopenia with propensity to acute myelogenous leukemia; PLATELET DISORDER, ASPIRIN-LIKE; RUNX1 Familial Platelet Disorder with Associated Myeloid Malignancies. Identifiers: Orphanet 71290, MedGen C1832388, MeSH C563324, MONDO:0100083, OMIM 601399.

Submission:

Labcorp Genetics (formerly Invitae), Labcorp
Classification: Pathogenic for Hereditary thrombocytopenia and hematological cancer predisposition syndrome associated with RUNX1. Last evaluated: 2024-03-01. Review status: criteria provided, single submitter. Criteria: Invitae Variant Classification Sherloc (09022015). Collection method: clinical testing. Allele origin: germline.
Comment: This sequence change results in a frameshift in the RUNX1 gene (p.Pro395Argfs*188). While this is not anticipated to result in nonsense mediated decay, it is expected to disrupt the last 86 amino acid(s) of the RUNX1 protein and extend the protein by 101 additional amino acid residues. This variant is not present in population databases (gnomAD no frequency). This variant has not been reported in the literature in individuals affected with RUNX1-related conditions. This variant disrupts a region of the RUNX1 protein in which other variant(s) (p.Tyr414*) have been determined to be pathogenic (PMID: 30600763). This suggests that this is a clinically significant region of the protein, and that variants that disrupt it are likely to be disease-causing. For these reasons, this variant has been classified as Pathogenic.

Literature cited by the submitters: PubMed 30600763.